The following is an entry in ClinVar:

NM_016203.4(PRKAG2):c.629A>T (p.Gln210Leu)

Gene: PRKAG2 (protein kinase AMP-activated non-catalytic subunit gamma 2; minus strand). Cytogenetic location: 7q36.1.
Variant type: single nucleotide variant.
Coding change: c.629A>T on transcript NM_016203.4 (MANE Select); coding-DNA position 629, A replaced by T.
Protein change: p.Gln210Leu; replaces glutamine 210 with leucine.
Molecular consequence: missense variant.
Genome position (GRCh38, 1-based): chr7:151,675,475, T>A on the plus strand (A>T on the coding strand, the complement: PRKAG2 is on the minus strand). VCF-style: chr7-151675475-T-A. GRCh37 (hg19) VCF-style: chr7-151372561-T-A.
Other names: c.497A>T, p.Gln166Leu (NM_001040633.2); c.257A>T, p.Gln86Leu (NM_001304527.2, NM_001363698.2); short protein forms Q210L, Q166L, Q86L.
Identifiers: ClinVar variation 927245 (VCV000927245.6), dbSNP rs1585679990, ClinGen allele CA370187240.

ClinVar aggregate classification (germline): Uncertain significance. Review status: criteria provided, multiple submitters, no conflicts (2 of 4 stars). 2 submissions from 2 submitters: Uncertain significance (2). Last evaluated 2024-03-06.

Conditions:
Cardiomyopathy (CMYO). Also called: Cardiomyopathies. Identifiers: Orphanet 167848, MedGen C0878544, MONDO:0004994, HP:0001638. Inheritance: Various modes of inheritance.
Hypertrophic cardiomyopathy. Also called: HYPERTROPHIC MYOCARDIOPATHY. Identifiers: Orphanet 217569, MedGen C0007194, MeSH D002312, MONDO:0005045, HP:0001639.

Submissions (2):

Color Diagnostics, LLC DBA Color Health
Classification: Uncertain significance for Cardiomyopathy. Last evaluated: 2024-03-06. Review status: criteria provided, single submitter. Criteria: ACMG Guidelines, 2015. Collection method: clinical testing. Allele origin: germline.
Comment: This variant is located in the PRKAG2 protein. Computational prediction suggests that this variant may not impact protein structure and function (internally defined REVEL score threshold <= 0.5, PMID: 27666373). To our knowledge, functional studies have not been reported for this variant. This variant has not been reported in individuals affected with cardiovascular disorders in the literature. This variant has not been identified in the general population by the Genome Aggregation Database (gnomAD). The available evidence is insufficient to determine the role of this variant in disease conclusively. Therefore, this variant is classified as a Variant of Uncertain Significance.

All of Us Research Program, National Institutes of Health
Classification: Uncertain significance for Hypertrophic cardiomyopathy. Last evaluated: 2023-03-28. Review status: criteria provided, single submitter. Criteria: ACMG Guidelines, 2015. Collection method: clinical testing. Allele origin: germline. Inheritance: Autosomal dominant inheritance. Observed: 1 variant allele, 1 heterozygote.
Comment: This variant is located in the PRKAG2 protein. Computational prediction suggests that this variant may not impact protein structure and function (internally defined REVEL score threshold <= 0.5, PMID: 27666373). To our knowledge, functional studies have not been reported for this variant. This variant has not been reported in individuals affected with cardiovascular disorders in the literature. This variant has not been identified in the general population by the Genome Aggregation Database (gnomAD). The available evidence is insufficient to determine the role of this variant in disease conclusively. Therefore, this variant is classified as a Variant of Uncertain Significance.

This study involves interpretation of variants in research participants for the purpose of population health screening. Participant phenotype was not available at the time of variant classification. Additional details can be found in publication PMID: 35346344, PMCID: PMC8962531